The following is an entry in ClinVar:

NM_153252.5(BRWD3):c.3593G>A (p.Arg1198His)

Gene: BRWD3 (bromodomain and WD repeat domain containing 3; minus strand). Cytogenetic location: Xq21.1.
Variant type: single nucleotide variant.
Coding change: c.3593G>A on transcript NM_153252.5 (MANE Select); coding-DNA position 3593, G replaced by A.
Protein change: p.Arg1198His; replaces arginine 1198 with histidine.
Molecular consequence: missense variant.
Genome position (GRCh38, 1-based): chrX:80,691,062, C>T on the plus strand (G>A on the coding strand, the complement: BRWD3 is on the minus strand). VCF-style: chrX-80691062-C-T. GRCh37 (hg19) VCF-style: chrX-79946561-C-T.
Other names: short protein forms R1198H.
Identifiers: ClinVar variation 3360417 (VCV003360417.3).
Genomic context (GRCh38, chrX:80,691,062, plus strand): 5'-AAAAGCCATAAAGCTATAAATTTTATAATAAGTGATTAAAAAAAAACAGACCTGTAAAAG[C>T]GATTTTCAAGTCTCCGCCTGATGGTATTGAGGTCAGTTGGATAAGCAACTACAGTACAAT-3'
Protein context (NP_694984.5, residues 1188-1208): LNTIRRRLEN[Arg1198His]FYRRISALMW

ClinVar aggregate classification (germline): Uncertain significance. Review status: criteria provided, multiple submitters, no conflicts (2 of 4 stars). 2 submissions from 2 submitters: Uncertain significance (2). Last evaluated 2026-01-18.

gnomAD v4.1: 2 of 1,207,935 alleles (0.00017%); highest among the groups gnomAD compares: Non-Finnish European, 0.00022%; no homozygotes.

Submissions (2):

Labcorp Genetics (formerly Invitae), Labcorp
Classification: Uncertain significance. Last evaluated: 2026-01-18. Review status: criteria provided, single submitter. Criteria: Invitae Variant Classification Sherloc (09022015). Collection method: clinical testing. Allele origin: germline.
Comment: This sequence change replaces arginine, which is basic and polar, with histidine, which is basic and polar, at codon 1198 of the BRWD3 protein (p.Arg1198His). This variant is not present in population databases (gnomAD no frequency). This variant has not been reported in the literature in individuals affected with BRWD3-related conditions. ClinVar contains an entry for this variant (Variation ID: 3360417). Invitae Evidence Modeling of protein sequence and biophysical properties (such as structural, functional, and spatial information, amino acid conservation, physicochemical variation, residue mobility, and thermodynamic stability) indicates that this missense variant is not expected to disrupt BRWD3 protein function with a negative predictive value of 80%. In summary, the available evidence is currently insufficient to determine the role of this variant in disease. Therefore, it has been classified as a Variant of Uncertain Significance.

GeneDx
Classification: Uncertain significance. Last evaluated: 2025-09-16. Review status: criteria provided, single submitter. Criteria: GeneDx Variant Classification Process June 2021. Collection method: clinical testing. Allele origin: germline.
Comment: In silico analysis supports that this missense variant has a deleterious effect on protein structure/function; Has not been previously published as pathogenic or benign to our knowledge